The following is an entry in ClinVar:

ClinVar aggregate classification (germline): Uncertain significance (1 of 4 stars; one submission).

Conditions:
Premature ovarian failure 15. Identifiers: MedGen C4748170, MONDO:0054862, OMIM 618096.

gnomAD v4.1: 2 of 1,612,184 alleles (0.00012%); highest among the groups gnomAD compares: Non-Finnish European, 0.00017%; no homozygotes.

Submission:

Neuberg Centre For Genomic Medicine, NCGM
Classification: Uncertain significance for Premature ovarian failure 15. Last evaluated: 2023-06-22. Review status: criteria provided, single submitter. Criteria: ACMG Guidelines, 2015. Collection method: clinical testing. Allele origin: germline. Inheritance: Autosomal dominant inheritance. Affected: yes.
Comment: The observed missense c.2375C>T (p.Ser792Leu) variant in FANCM gene has not been reported previously as a pathogenic variant nor as a benign variant, to our knowledge. The p.Ser792Leu variant is absent in gnomAD Exomes. This variant has not been submitted to the ClinVar database. Multiple lines of computational evidence (Polyphen - Possibly damaging, SIFT - Damaging and MutationTaster - Polymorphism) predicts conflicting evidence on protein structure and function for this variant. The reference amino acid at this position on FANCM gene is predicted as conserved by GERP++ and PhyloP across 100 vertebrates. The amino acid Ser at position 792 is changed to a Leu changing protein sequence and it might alter its composition and physico-chemical properties. For these reasons, this variant has been classified as Variant of Uncertain Significance (VUS).

NM_020937.4(FANCM):c.2375C>T (p.Ser792Leu)

Gene: FANCM (FA complementation group M; plus strand). Cytogenetic location: 14q21.2.
Variant type: single nucleotide variant.
Coding change: c.2375C>T on transcript NM_020937.4 (MANE Select); coding-DNA position 2375, C replaced by T.
Protein change: p.Ser792Leu; replaces serine 792 with leucine.
Molecular consequence: missense variant.
Genome position (GRCh38, 1-based): chr14:45,175,129, C>T. VCF-style: chr14-45175129-C-T. GRCh37 (hg19) VCF-style: chr14-45644332-C-T.
Other names: c.2297C>T, p.Ser766Leu (NM_001308133.2); short protein forms S766L, S792L.
Identifiers: ClinVar variation 3603265 (VCV003603265.1).
Genomic context (GRCh38, chr14:45,175,129, plus strand): 5'-AGGGAGAATGCAGCTATGAATTGGAAGTTGAATCTTATTTACAAATGGAAGATGTTACCT[C>T]AACATTTATTGCTCCCAGGAATGAATCTAATAATCTTGCCAGTGACACCTTTATCACTCA-3'
Protein context (NP_065988.1, residues 782-802): ESYLQMEDVT[Ser792Leu]TFIAPRNESN